The following is an entry in ClinVar:

ClinVar aggregate classification (germline): Likely pathogenic. Review status: criteria provided, single submitter (1 of 4 stars). 2 submissions from 2 submitters: Likely pathogenic (1). 1 of the submissions does not count toward it. Last evaluated 2019-10-02.

Conditions:
Dyskeratosis congenita, autosomal recessive 5 (DKCB5). Identifiers: MedGen C3554656, MONDO:0014076, OMIM 615190.
Pulmonary fibrosis and/or bone marrow failure, Telomere-related, 3. Also called: PULMONARY FIBROSIS AND/OR BONE MARROW FAILURE SYNDROME, TELOMERE-RELATED, 3. Identifiers: Orphanet 2032, MedGen C4225346, MONDO:0014613, OMIM 616373.
Dyskeratosis congenita. Identifiers: Orphanet 1775, MedGen C0265965, MONDO:0015780.

Submissions (2):

Labcorp Genetics (formerly Invitae), Labcorp
Classification: Likely pathogenic for Dyskeratosis congenita, autosomal recessive 5; Pulmonary fibrosis and/or bone marrow failure, Telomere-related, 3. Last evaluated: 2019-10-02. Review status: criteria provided, single submitter. Criteria: Invitae Variant Classification Sherloc (09022015). Collection method: clinical testing. Allele origin: germline.
Comment: In summary, the currently available evidence indicates that the variant is pathogenic, but additional data are needed to prove that conclusively. Therefore, this variant has been classified as Likely Pathogenic. Donor and acceptor splice site variants typically lead to a loss of protein function (PMID: 16199547), and loss-of-function variants in RTEL1 are known to be pathogenic (PMID: 23453664, 23959892, 25607374). Algorithms developed to predict the effect of sequence changes on RNA splicing suggest that this variant may disrupt the consensus splice site, but this prediction has not been confirmed by published transcriptional studies. This variant has not been reported in the literature in individuals with RTEL1-related conditions. This variant is not present in population databases (ExAC no frequency). This sequence change affects a donor splice site in intron 14 of the RTEL1 gene. It is expected to disrupt RNA splicing and likely results in an absent or disrupted protein product.

Natera, Inc.
Classification: Likely pathogenic for Dyskeratosis congenita. Last evaluated: 2020-10-06. Review status: no assertion criteria provided. Collection method: clinical testing. Allele origin: germline. Not counted in ClinVar's aggregate classification.

Literature cited by the submitters: PubMed 16199547 (cited by Labcorp Genetics (formerly Invitae), Labcorp); PubMed 23453664 (cited by Labcorp Genetics (formerly Invitae), Labcorp); PubMed 23959892 (cited by Labcorp Genetics (formerly Invitae), Labcorp); PubMed 25607374 (cited by Labcorp Genetics (formerly Invitae), Labcorp).

NM_001283009.2(RTEL1):c.1191+1G>C

Genes: RTEL1 (regulator of telomere elongation helicase 1; plus strand), RTEL1-TNFRSF6B (RTEL1-TNFRSF6B readthrough (NMD candidate); plus strand). Cytogenetic location: 20q13.33.
Variant type: single nucleotide variant.
Coding change: c.1191+1G>C on transcript NM_001283009.2 (MANE Select); the canonical splice donor site of the intron after coding-DNA position 1191, G replaced by C.
Molecular consequence: splice donor variant.
Genome position (GRCh38, 1-based): chr20:63,680,720, G>C. VCF-style: chr20-63680720-G-C. GRCh37 (hg19) VCF-style: chr20-62312073-G-C.
Other names: c.522+1G>C (NM_001283010.1); c.1263+1G>C (NM_032957.5); c.1191+1G>C (NM_016434.4).
Identifiers: ClinVar variation 957214 (VCV000957214.9), dbSNP rs2090461817, ClinGen allele CA409674698.
Genomic context (GRCh38, chr20:63,680,720, plus strand): 5'-CCAGGTGCTGGAGTGTTCACCAACACGGCCGGACTGCAGAAGCTGGCGGACATTATCCAG[G>C]TGGGGCCTGCTCCTCTGTGGCATCTCCTTCCCTGATGGAAGCCGGGCGGGTGCCTTCTCC-3'